The following is an entry in ClinVar:

NM_000182.5(HADHA):c.496A>G (p.Lys166Glu)

Gene: HADHA (hydroxyacyl-CoA dehydrogenase trifunctional multienzyme complex subunit alpha; minus strand). Cytogenetic location: 2p23.3.
Variant type: single nucleotide variant.
Coding change: c.496A>G on transcript NM_000182.5 (MANE Select); coding-DNA position 496, A replaced by G.
Protein change: p.Lys166Glu; replaces lysine 166 with glutamic acid.
Molecular consequence: missense variant.
Genome position (GRCh38, 1-based): chr2:26,232,237, T>C on the plus strand (A>G on the coding strand, the complement: HADHA is on the minus strand). VCF-style: chr2-26232237-T-C. GRCh37 (hg19) VCF-style: chr2-26455105-T-C.
Other names: short protein forms K166E.
Identifiers: ClinVar variation 2144018 (VCV002144018.1), dbSNP rs1558329257, ClinGen allele CA346093259.

ClinVar aggregate classification (germline): Uncertain significance (1 of 4 stars; one submission).

Conditions:
Mitochondrial trifunctional protein deficiency. Identifiers: Orphanet 746, MedGen C1969443, MONDO:0012172.
Long chain 3-hydroxyacyl-CoA dehydrogenase deficiency. Also called: Deficiency of long-chain 3-hydroxyacyl-coenzyme A dehydrogenase; LCHAD Deficiency. Identifiers: Orphanet 5, MedGen C3711645, MONDO:0012173, OMIM 609016.

Allele frequency attached by ClinVar (database versions not stated): gnomAD exomes below 0.00001.
gnomAD v4.1: 2 of 1,603,032 alleles (0.00012%); highest among the groups gnomAD compares: Admixed American, 0.0017%; no homozygotes.

Submission:

Labcorp Genetics (formerly Invitae), Labcorp
Classification: Uncertain significance for Mitochondrial trifunctional protein deficiency; Long chain 3-hydroxyacyl-CoA dehydrogenase deficiency. Last evaluated: 2022-06-09. Review status: criteria provided, single submitter. Criteria: Invitae Variant Classification Sherloc (09022015). Collection method: clinical testing. Allele origin: germline.
Comment: This sequence change replaces lysine, which is basic and polar, with glutamic acid, which is acidic and polar, at codon 166 of the HADHA protein (p.Lys166Glu). This variant is not present in population databases (gnomAD no frequency). This variant has not been reported in the literature in individuals affected with HADHA-related conditions. Advanced modeling of protein sequence and biophysical properties (such as structural, functional, and spatial information, amino acid conservation, physicochemical variation, residue mobility, and thermodynamic stability) performed at Invitae indicates that this missense variant is not expected to disrupt HADHA protein function. In summary, the available evidence is currently insufficient to determine the role of this variant in disease. Therefore, it has been classified as a Variant of Uncertain Significance.